The following is an entry in ClinVar:

ClinVar aggregate classification (germline): Uncertain significance (1 of 4 stars; one submission).

gnomAD v4.1: 9 of 1,613,970 alleles (0.00056%); highest among the groups gnomAD compares: East Asian, 0.02%; no homozygotes.

Submission:

Labcorp Genetics (formerly Invitae), Labcorp
Classification: Uncertain significance. Last evaluated: 2025-04-15. Review status: criteria provided, single submitter. Criteria: Invitae Variant Classification Sherloc (09022015). Collection method: clinical testing. Allele origin: germline.
Comment: This sequence change replaces serine, which is neutral and polar, with cysteine, which is neutral and slightly polar, at codon 147 of the NDUFAF7 protein (p.Ser147Cys). This variant is present in population databases (rs767578535, gnomAD 0.04%). This variant has not been reported in the literature in individuals affected with NDUFAF7-related conditions. An algorithm developed to predict the effect of missense changes on protein structure and function (PolyPhen-2) suggests that this variant is likely to be disruptive. In summary, the available evidence is currently insufficient to determine the role of this variant in disease. Therefore, it has been classified as a Variant of Uncertain Significance.

NM_144736.5(NDUFAF7):c.734C>G (p.Ser245Cys)

Gene: NDUFAF7 (NADH:ubiquinone oxidoreductase complex assembly factor 7; plus strand). Cytogenetic location: 2p22.2.
Variant type: single nucleotide variant.
Coding change: c.734C>G on transcript NM_144736.5 (MANE Select); coding-DNA position 734, C replaced by G.
Protein change: p.Ser245Cys; replaces serine 245 with cysteine.
Molecular consequence: missense variant. On other transcripts: non-coding transcript variant (10).
Genome position (GRCh38, 1-based): chr2:37,243,915, C>G. VCF-style: chr2-37243915-C-G. GRCh37 (hg19) VCF-style: chr2-37471058-C-G.
Other names: c.440C>G, p.Ser147Cys (NM_001083946.2); c.734C>G, p.Ser245Cys (NM_001350024.2); c.653C>G, p.Ser218Cys (NM_001350025.2); c.521C>G, p.Ser174Cys (NM_001350027.2); short protein forms S147C, S218C, S245C, S174C.
Identifiers: ClinVar variation 4690931 (VCV004690931.1).